The following is an entry in ClinVar:

NM_001330700.2(TOP2B):c.2T>C (p.Met1Thr)

Genes: TOP2B (DNA topoisomerase II beta; minus strand), LOC129936375 (ATAC-STARR-seq lymphoblastoid silent region 14146; plus strand). Cytogenetic location: 3p24.2.
Variant type: single nucleotide variant.
Coding change: c.2T>C on transcript NM_001330700.2 (MANE Select); coding-DNA position 2, T replaced by C.
Protein change: p.Met1Thr; changes the start codon (methionine 1).
Molecular consequence: missense variant, initiator codon variant.
Genome position (GRCh38, 1-based): chr3:25,664,296, A>G on the plus strand (T>C on the coding strand, the complement: TOP2B is on the minus strand). VCF-style: chr3-25664296-A-G. GRCh37 (hg19) VCF-style: chr3-25705787-A-G.
Other names: c.2T>C, p.Met1Thr (NM_001068.3); short protein forms M1T.
Identifiers: ClinVar variation 3343081 (VCV003343081.1).

ClinVar aggregate classification (germline): Uncertain significance (1 of 4 stars; one submission).

Submission:

GeneDx
Classification: Uncertain significance. Last evaluated: 2023-04-13. Review status: criteria provided, single submitter. Criteria: GeneDx Variant Classification Process June 2021. Collection method: clinical testing. Allele origin: germline. Affected: yes.
Comment: Not observed at significant frequency in large population cohorts (gnomAD); Initiation codon variant in a gene for which loss of function is not a known mechanism of disease; Has not been previously published as pathogenic or benign to our knowledge